The following is an entry in ClinVar:

NM_002335.4(LRP5):c.4095C>T (p.Ser1365=)

Gene: LRP5 (LDL receptor related protein 5; plus strand). Cytogenetic location: 11q13.2.
Variant type: single nucleotide variant.
Coding change: c.4095C>T on transcript NM_002335.4 (MANE Select); coding-DNA position 4095, C replaced by T.
Protein change: p.Ser1365=; no amino-acid change (serine 1365 retained).
Molecular consequence: synonymous variant.
Genome position (GRCh38, 1-based): chr11:68,436,983, C>T. VCF-style: chr11-68436983-C-T. GRCh37 (hg19) VCF-style: chr11-68204451-C-T.
Other names: c.2352C>T, p.Ser784= (NM_001291902.2).
Identifiers: ClinVar variation 746266 (VCV000746266.10), dbSNP rs199576767, ClinGen allele CA6150230.

ClinVar aggregate classification (germline): Likely benign. Review status: criteria provided, multiple submitters, no conflicts (2 of 4 stars). 3 submissions from 3 submitters: Likely benign (3). Last evaluated 2026-01-02.

Conditions:
LRP5-related disorder. Also called: LRP5-related condition.

Allele frequency attached by ClinVar (database versions not stated): ESP Exome Variant Server 0.00008; gnomAD exomes 0.00003 and 0.00004; TOPMed 0.00003; ExAC 0.00006; gnomAD 0.00006.
gnomAD v4.1: 54 of 1,613,536 alleles (0.0033%); highest among the groups gnomAD compares: East Asian, 0.0045%; no homozygotes.

Submissions (3):

PreventionGenetics, part of Exact Sciences
Classification: Likely benign for LRP5-related condition. Last evaluated: 2026-01-02. Review status: criteria provided, single submitter. Criteria: ACMG Guidelines, 2015. Collection method: clinical testing. Allele origin: germline.
Comment: This variant is classified as likely benign based on ACMG/AMP sequence variant interpretation guidelines (Richards et al. 2015 PMID: 25741868, with internal and published modifications).

Labcorp Genetics (formerly Invitae), Labcorp
Classification: Likely benign. Last evaluated: 2025-02-20. Review status: criteria provided, single submitter. Criteria: Invitae Variant Classification Sherloc (09022015). Collection method: clinical testing. Allele origin: germline.

Blueprint Genetics
Classification: Likely benign. Last evaluated: 2023-11-17. Review status: criteria provided, single submitter. Criteria: ACMG Guidelines, 2015. Collection method: clinical testing. Allele origin: germline.